The following is an entry in ClinVar:

NM_000545.8(HNF1A):c.291G>A (p.Ala97=)

Gene: HNF1A (HNF1 homeobox A; plus strand). Cytogenetic location: 12q24.31.
Variant type: single nucleotide variant.
Coding change: c.291G>A on transcript NM_000545.8 (MANE Select); coding-DNA position 291, G replaced by A.
Protein change: p.Ala97=; no amino-acid change (alanine 97 retained).
Molecular consequence: synonymous variant.
Genome position (GRCh38, 1-based): chr12:120,979,059, G>A. VCF-style: chr12-120979059-G-A. GRCh37 (hg19) VCF-style: chr12-121416862-G-A.
Other names: c.291G>A, p.Ala97= (NM_001306179.2, NM_001406915.1).
Identifiers: ClinVar variation 3044217 (VCV003044217.4), dbSNP rs775088578, ClinGen allele CA6831707.
Genomic context (GRCh38, chr12:120,979,059, plus strand): 5'-TGGGGAAGACTTCACGCCACCCATCCTCAAAGAGCTGGAGAACCTCAGCCCTGAGGAGGC[G>A]GCCCACCAGAAAGCCGTGGTGGAGACCCTTCTGCAGTAAGGAGCCCTGCCCCGTCCCCGC-3'
Protein context (NP_000536.6, residues 87-107): KELENLSPEE[Ala97=]AHQKAVVETL

ClinVar aggregate classification (germline): Likely benign. Review status: criteria provided, single submitter (1 of 4 stars). 2 submissions from 2 submitters: Likely benign (1). 1 of the submissions does not count toward it. Last evaluated 2024-05-10.

Conditions:
HNF1A-related disorder. Also called: HNF1A-related condition.

Allele frequency attached by ClinVar (database versions not stated): gnomAD exomes 0.00001; TOPMed 0.00001; gnomAD 0.00002; ExAC 0.00003.
gnomAD v4.1: 18 of 1,611,870 alleles (0.0011%); highest among the groups gnomAD compares: South Asian, 0.0066%; no homozygotes.

Submissions (2):

Labcorp Genetics (formerly Invitae), Labcorp
Classification: Likely benign. Last evaluated: 2024-05-10. Review status: criteria provided, single submitter. Criteria: Invitae Variant Classification Sherloc (09022015). Collection method: clinical testing. Allele origin: germline.

PreventionGenetics, part of Exact Sciences
Classification: Likely benign for HNF1A-related condition. Last evaluated: 2023-07-23. Review status: no assertion criteria provided. Collection method: clinical testing. Allele origin: germline. Not counted in ClinVar's aggregate classification.
Comment: This variant is classified as likely benign based on ACMG/AMP sequence variant interpretation guidelines (Richards et al. 2015 PMID: 25741868, with internal and published modifications).